The following is an entry in ClinVar:

ClinVar aggregate classification (germline): Uncertain significance. Review status: criteria provided, multiple submitters, no conflicts (2 of 4 stars). 2 submissions from 2 submitters: Uncertain significance (2). Last evaluated 2024-11-04.

Conditions:
Hereditary cancer-predisposing syndrome. Also called: Hereditary neoplastic syndrome; Tumor predisposition; Neoplastic Syndromes, Hereditary; Hereditary Cancer Syndrome. Identifiers: Orphanet 140162, MedGen C0027672, MeSH D009386, MONDO:0015356.
Oligodontia-cancer predisposition syndrome. Also called: TOOTH AGENESIS-COLORECTAL CANCER SYNDROME. Identifiers: Orphanet 300576, MedGen C1837750, MONDO:0012075, OMIM 608615. Disease mechanism: loss of function.

Allele frequency attached by ClinVar (database versions not stated): gnomAD exomes below 0.00001.
gnomAD v4.1: 2 of 1,564,856 alleles (0.00013%); highest among the groups gnomAD compares: Non-Finnish European, 0.00017%; no homozygotes.

Submissions (2):

Labcorp Genetics (formerly Invitae), Labcorp
Classification: Uncertain significance for Oligodontia-cancer predisposition syndrome. Last evaluated: 2024-11-04. Review status: criteria provided, single submitter. Criteria: Invitae Variant Classification Sherloc (09022015). Collection method: clinical testing. Allele origin: germline.
Comment: This sequence change replaces proline, which is neutral and non-polar, with leucine, which is neutral and non-polar, at codon 435 of the AXIN2 protein (p.Pro435Leu). This variant is not present in population databases (gnomAD no frequency). This variant has not been reported in the literature in individuals affected with AXIN2-related conditions. ClinVar contains an entry for this variant (Variation ID: 654484). Invitae Evidence Modeling of protein sequence and biophysical properties (such as structural, functional, and spatial information, amino acid conservation, physicochemical variation, residue mobility, and thermodynamic stability) indicates that this missense variant is expected to disrupt AXIN2 protein function with a positive predictive value of 80%. In summary, the available evidence is currently insufficient to determine the role of this variant in disease. Therefore, it has been classified as a Variant of Uncertain Significance.

Ambry Genetics
Classification: Uncertain significance for Hereditary cancer-predisposing syndrome. Last evaluated: 2023-09-15. Review status: criteria provided, single submitter. Criteria: Ambry Variant Classification Scheme 2023. Collection method: clinical testing. Allele origin: germline.
Comment: The p.P435L variant (also known as c.1304C>T), located in coding exon 5 of the AXIN2 gene, results from a C to T substitution at nucleotide position 1304. The proline at codon 435 is replaced by leucine, an amino acid with similar properties. This amino acid position is conserved. In addition, the in silico prediction for this alteration is inconclusive. Since supporting evidence is limited at this time, the clinical significance of this alteration remains unclear.

NM_004655.4(AXIN2):c.1304C>T (p.Pro435Leu)

Gene: AXIN2 (axin 2; minus strand). Cytogenetic location: 17q24.1.
Variant type: single nucleotide variant.
Coding change: c.1304C>T on transcript NM_004655.4 (MANE Select); coding-DNA position 1304, C replaced by T.
Protein change: p.Pro435Leu; replaces proline 435 with leucine.
Molecular consequence: missense variant.
Genome position (GRCh38, 1-based): chr17:65,537,732, G>A on the plus strand (C>T on the coding strand, the complement: AXIN2 is on the minus strand). VCF-style: chr17-65537732-G-A. GRCh37 (hg19) VCF-style: chr17-63533850-G-A.
Other names: c.1304C>T (LRG_296t1); c.1304C>T, p.Pro435Leu (NM_001363813.1); short protein forms P435L.
Identifiers: ClinVar variation 654484 (VCV000654484.8), dbSNP rs1598099499, ClinGen allele CA400677773.